The following is an entry in ClinVar:

ClinVar aggregate classification (germline): Pathogenic (1 of 4 stars; one submission).

Conditions:
Multiple endocrine neoplasia, type 1 (MEN1). Also called: MEA I; MEN I; WERMER SYNDROME; Endocrine adenomatosis multiple; MEN 1. Identifiers: Orphanet 652, MedGen C0025267, MeSH D018761, MONDO:0007540, OMIM 131100.

Submission:

Labcorp Genetics (formerly Invitae), Labcorp
Classification: Pathogenic for Multiple endocrine neoplasia, type 1. Last evaluated: 2023-07-14. Review status: criteria provided, single submitter. Criteria: Invitae Variant Classification Sherloc (09022015). Collection method: clinical testing. Allele origin: germline.
Comment: Variants that disrupt the consensus splice site are a relatively common cause of aberrant splicing (PMID: 17576681, 9536098). Algorithms developed to predict the effect of sequence changes on RNA splicing suggest that this variant may disrupt the consensus splice site. ClinVar contains an entry for this variant (Variation ID: 844638). This variant has not been reported in the literature in individuals affected with MEN1-related conditions. This variant is not present in population databases (gnomAD no frequency). This variant results in the deletion of part of exon 9 (c.1277_1350+28del) of the MEN1 gene. While this variant is not anticipated to result in nonsense mediated decay, it likely alters RNA splicing and results in a disrupted protein product. This variant disrupts a region of the MEN1 protein in which other variant(s) (p.Trp436Arg) have been determined to be pathogenic (PMID: 21127195, 21819486; Invitae). This suggests that this is a clinically significant region of the protein, and that variants that disrupt it are likely to be disease-causing. For these reasons, this variant has been classified as Pathogenic.

Literature cited by the submitters: PubMed 17576681; PubMed 9536098; PubMed 21127195; PubMed 21819486.

NM_001370259.2(MEN1):c.1277_1350+28del

Gene: MEN1 (menin 1; minus strand). Cytogenetic location: 11q13.1.
Variant type: Deletion.
Coding change: c.1277_1350+28del on transcript NM_001370259.2 (MANE Select); coding-DNA position 1277 through 28 bases into the intron after coding-DNA position 1350, 102 bases deleted.
Molecular consequence: splice donor variant.
Genome position (GRCh38, 1-based): chr11:64,805,006-64,805,107, 102 bases deleted. GRCh37 (hg19): chr11:64,572,480-64,572,581.
Other names: c.1172_1245+28del (NM_001370262.2, NM_001370263.2); c.1277_1350+28del (NM_001370261.2, NM_130799.3, NM_001370260.2); c.1292_1365+28del (NM_130802.3, NM_130804.3, NM_130803.3 and 3 more transcripts); c.1403_1476+28del (NM_001370251.2).
Identifiers: ClinVar variation 844638 (VCV000844638.8), dbSNP rs1941598294, ClinGen allele CA916083244.